The following is an entry in ClinVar:

NM_000541.5(SAG):c.374C>T (p.Thr125Met)

Gene: SAG (S-antigen visual arrestin; plus strand). Cytogenetic location: 2q37.1.
Variant type: single nucleotide variant.
Coding change: c.374C>T on transcript NM_000541.5 (MANE Select); coding-DNA position 374, C replaced by T.
Protein change: p.Thr125Met; replaces threonine 125 with methionine.
Molecular consequence: missense variant.
Genome position (GRCh38, 1-based): chr2:233,320,822, C>T. VCF-style: chr2-233320822-C-T. GRCh37 (hg19) VCF-style: chr2-234229468-C-T.
Other names: short protein forms T125M.
Identifiers: ClinVar variation 720101 (VCV000720101.23), dbSNP rs137886124, ClinGen allele CA2174343.

ClinVar aggregate classification (germline): Conflicting classifications of pathogenicity. Review status: criteria provided, conflicting classifications (1 of 4 stars). 5 submissions from 5 submitters: Uncertain significance (2); Benign (1); Likely benign (2). Last evaluated 2026-01-25.

Conditions:
Retinitis pigmentosa 96 (RP96). Also called: Retinitis pigmentosa 96, autosomal dominant. Identifiers: MedGen C5774303, MONDO:0859367, OMIM 620228.
Retinitis pigmentosa 47 (RP47). Identifiers: Orphanet 791, MedGen C3151061, MONDO:0013407, OMIM 613758.
Oguchi disease-1. Also called: Congenital stationary night blindness Oguchi type 1. Identifiers: MedGen C4551824, MONDO:0009775, OMIM 258100.
Retinitis pigmentosa (RP). Identifiers: Orphanet 791, MedGen C0035334, MeSH D012174, MONDO:0019200, OMIM 268000. Inheritance: Autosomal dominant, autosomal recessive and X linked inheritance.

Allele frequency attached by ClinVar (database versions not stated): 1000 Genomes Project 30x 0.00172; 1000 Genomes Project 0.00200; ESP Exome Variant Server 0.00214; gnomAD 0.00243 and 0.00247; gnomAD exomes 0.00244; TOPMed 0.00256; ExAC 0.00335.
gnomAD v4.1: 4,679 of 1,583,200 alleles (0.3%); highest among the groups gnomAD compares: Middle Eastern, 0.67%; 17 homozygotes.

Submissions (5):

Labcorp Genetics (formerly Invitae), Labcorp
Classification: Benign. Last evaluated: 2026-01-25. Review status: criteria provided, single submitter. Criteria: Invitae Variant Classification Sherloc (09022015). Collection method: clinical testing. Allele origin: germline.

CeGaT Center for Human Genetics Tuebingen
Classification: Likely benign. Last evaluated: 2025-03-01. Review status: criteria provided, single submitter. Criteria: CeGaT Center For Human Genetics Tuebingen Variant Classification Criteria Version 2. Collection method: clinical testing. Allele origin: germline. Affected: yes. Observed: 1 variant allele.
Comment: SAG: BS2

Blueprint Genetics
Classification: Likely benign. Last evaluated: 2024-11-19. Review status: criteria provided, single submitter. Criteria: ACMG Guidelines, 2015. Collection method: clinical testing. Allele origin: germline.

Department of Pathology and Laboratory Medicine, Sinai Health System
Classification: Uncertain significance for Oguchi disease-1; Retinitis pigmentosa 47; Retinitis pigmentosa 96. Last evaluated: 2022-04-13. Review status: criteria provided, single submitter. Criteria: ACMG Guidelines, 2015. Collection method: research. Allele origin: germline.

Illumina Laboratory Services, Illumina
Classification: Uncertain significance for Retinitis pigmentosa. Last evaluated: 2017-04-27. Review status: criteria provided, single submitter. Criteria: ICSL Variant Classification Criteria 13 December 2019. Collection method: clinical testing. Allele origin: germline.
Comment: This variant was observed as part of a predisposition screen in an ostensibly healthy population. A literature search was performed for the gene, cDNA change, and amino acid change (where applicable). Publications were found based on this search. However, the evidence from the literature, in combination with allele frequency data from public databases where available, was not sufficient to rule this variant in or out of causing disease. Therefore, this variant is classified as a variant of unknown significance.

Literature cited by the submitters: PubMed 9501883 (cited by Illumina Laboratory Services, Illumina).